The following is an entry in ClinVar:

NM_001127644.2(GABRA1):c.653A>C (p.Tyr218Ser)

Gene: GABRA1 (gamma-aminobutyric acid type A receptor subunit alpha1; plus strand). Cytogenetic location: 5q34.
Variant type: single nucleotide variant.
Coding change: c.653A>C on transcript NM_001127644.2 (MANE Select); coding-DNA position 653, A replaced by C.
Protein change: p.Tyr218Ser; replaces tyrosine 218 with serine.
Molecular consequence: missense variant.
Genome position (GRCh38, 1-based): chr5:161,882,651, A>C. VCF-style: chr5-161882651-A-C. GRCh37 (hg19) VCF-style: chr5-161309657-A-C.
Other names: c.653A>C, p.Tyr218Ser (NM_000806.5, NM_001127643.2, NM_001127645.2 and 1 more transcripts); short protein forms Y218S.
Identifiers: ClinVar variation 1014710 (VCV001014710.8), dbSNP rs1754665353, ClinGen allele CA362179590.

ClinVar aggregate classification (germline): Uncertain significance (1 of 4 stars; one submission).

Conditions:
Idiopathic generalized epilepsy. Also called: Generalised epilepsy; EIG. Identifiers: MedGen C0270850, MONDO:0005579, OMIM 600669.
Epilepsy, idiopathic generalized, susceptibility to, 13. Also called: EPILEPSY, JUVENILE MYOCLONIC, SUSCEPTIBILITY TO, 5. Identifiers: Orphanet 307, Orphanet 64280, MedGen C4013473, MONDO:0012627, OMIM 611136.
Epilepsy, childhood absence 4 (ECA4). Also called: EPILEPSY, CHILDHOOD ABSENCE, SUSCEPTIBILITY TO, 4. Identifiers: Orphanet 307, MedGen C1970160.

Submission:

Labcorp Genetics (formerly Invitae), Labcorp
Classification: Uncertain significance for Epilepsy, childhood absence 4; Epilepsy, idiopathic generalized, susceptibility to, 13; Idiopathic generalized epilepsy. Last evaluated: 2020-07-07. Review status: criteria provided, single submitter. Criteria: Invitae Variant Classification Sherloc (09022015). Collection method: clinical testing. Allele origin: germline.
Comment: In summary, the available evidence is currently insufficient to determine the role of this variant in disease. Therefore, it has been classified as a Variant of Uncertain Significance. Algorithms developed to predict the effect of missense changes on protein structure and function (SIFT, PolyPhen-2, Align-GVGD) all suggest that this variant is likely to be disruptive, but these predictions have not been confirmed by published functional studies and their clinical significance is uncertain. This variant has not been reported in the literature in individuals with GABRA1-related conditions. This variant is not present in population databases (ExAC no frequency). This sequence change replaces tyrosine with serine at codon 218 of the GABRA1 protein (p.Tyr218Ser). The tyrosine residue is highly conserved and there is a large physicochemical difference between tyrosine and serine.